The following is an entry in ClinVar:

NM_025009.5(CEP135):c.233T>G (p.Leu78Trp)

Gene: CEP135 (centrosomal protein 135; plus strand). Cytogenetic location: 4q12.
Variant type: single nucleotide variant.
Coding change: c.233T>G on transcript NM_025009.5 (MANE Select); coding-DNA position 233, T replaced by G.
Protein change: p.Leu78Trp; replaces leucine 78 with tryptophan.
Molecular consequence: missense variant.
Genome position (GRCh38, 1-based): chr4:55,953,204, T>G. VCF-style: chr4-55953204-T-G. GRCh37 (hg19) VCF-style: chr4-56819370-T-G.
Other names: short protein forms L78W.
Identifiers: ClinVar variation 1371292 (VCV001371292.6), dbSNP rs1193742602, ClinGen allele CA356965271.

ClinVar aggregate classification (germline): Uncertain significance (1 of 4 stars; one submission).

gnomAD v4.1: 1 of 1,601,892 alleles (0.000062%); no homozygotes.

Submission:

Labcorp Genetics (formerly Invitae), Labcorp
Classification: Uncertain significance. Last evaluated: 2021-07-31. Review status: criteria provided, single submitter. Criteria: Invitae Variant Classification Sherloc (09022015). Collection method: clinical testing. Allele origin: germline.
Comment: This sequence change replaces leucine with tryptophan at codon 78 of the CEP135 protein (p.Leu78Trp). The leucine residue is moderately conserved and there is a small physicochemical difference between leucine and tryptophan. This variant is not present in population databases (ExAC no frequency). This variant has not been reported in the literature in individuals affected with CEP135-related conditions. Algorithms developed to predict the effect of missense changes on protein structure and function are either unavailable or do not agree on the potential impact of this missense change (SIFT: "Deleterious"; PolyPhen-2: "Probably Damaging"; Align-GVGD: "Class C0"). In summary, the available evidence is currently insufficient to determine the role of this variant in disease. Therefore, it has been classified as a Variant of Uncertain Significance.